The following is an entry in ClinVar:

ClinVar aggregate classification (germline): Uncertain significance. Review status: criteria provided, multiple submitters, no conflicts (2 of 4 stars). 2 submissions from 2 submitters: Uncertain significance (2). Last evaluated 2026-07-06.

Conditions:
Malignant hyperthermia, susceptibility to, 1 (MHS1). Also called: Anesthesia related hyperthermia; Malignant hyperpyrexia; Fulminating hyperpyrexia; Pharmacogenic myopathy; RYR1-Related Malignant Hyperthermia Susceptibility; Malignant hyperthermia suceptibility 1. Identifiers: Orphanet 423, MedGen C2930980, MONDO:0007783, OMIM 145600.
Inborn genetic diseases. Identifiers: MedGen C0950123, MeSH D030342.

Submissions (2):

Ambry Genetics
Classification: Uncertain significance for Inborn genetic diseases. Last evaluated: 2026-07-06. Review status: criteria provided, single submitter. Criteria: Ambry Variant Classification Scheme 2023. Collection method: clinical testing. Allele origin: germline.
Comment: The p.A4812V variant (also known as c.14435C>T), located in coding exon 100 of the RYR1 gene, results from a C to T substitution at nucleotide position 14435. The alanine at codon 4812 is replaced by valine, an amino acid with similar properties. This amino acid position is conserved. In addition, the in silico prediction for this alteration is inconclusive. Based on the available evidence, the clinical significance of this variant remains unclear.

Color Diagnostics, LLC DBA Color Health
Classification: Uncertain significance for Malignant hyperthermia, susceptibility to, 1. Last evaluated: 2025-06-23. Review status: criteria provided, single submitter. Criteria: ACMG Guidelines, 2015. Collection method: clinical testing. Allele origin: germline.
Comment: This missense variant replaces alanine with valine at codon 4812 of the RYR1 protein. Computational prediction is inconclusive regarding the impact of this variant on protein structure and function. To our knowledge, functional studies have not been reported for this variant. This variant has not been reported in individuals affected with RYR1-related disorders in the literature. This variant has not been identified in the general population by the Genome Aggregation Database (gnomAD). The available evidence is insufficient to determine the role of this variant in disease conclusively. Therefore, this variant is classified as a Variant of Uncertain Significance.

NM_000540.3(RYR1):c.14435C>T (p.Ala4812Val)

Gene: RYR1 (ryanodine receptor 1; plus strand). Cytogenetic location: 19q13.2.
Variant type: single nucleotide variant.
Coding change: c.14435C>T on transcript NM_000540.3 (MANE Select); coding-DNA position 14435, C replaced by T.
Protein change: p.Ala4812Val; replaces alanine 4812 with valine.
Molecular consequence: missense variant.
Genome position (GRCh38, 1-based): chr19:38,580,052, C>T. VCF-style: chr19-38580052-C-T. GRCh37 (hg19) VCF-style: chr19-39070692-C-T.
Other names: c.14420C>T, p.Ala4807Val (NM_001042723.2); short protein forms A4807V, A4812V.
Identifiers: ClinVar variation 4756859 (VCV004756859.2).
Genomic context (GRCh38, chr19:38,580,052, plus strand): 5'-ACCTGGGCTGGTATATGGTGATGTCCCTCTTGGGACACTACAACAACTTCTTCTTTGCTG[C>T]CCATCTCCTGGACATCGCCATGGGGGTCAAGACGCTGCGCACCATCCTGTCCTCTGTCAC-3'
Protein context (NP_000531.2, residues 4802-4822): LGHYNNFFFA[Ala4812Val]HLLDIAMGVK